The following is an entry in ClinVar:

ClinVar aggregate classification (germline): Uncertain significance (1 of 4 stars; one submission).

Allele frequency attached by ClinVar (database versions not stated): gnomAD exomes below 0.00001 and 0.00001; ExAC 0.00002.
gnomAD v4.1: 4 of 1,582,180 alleles (0.00025%); highest among the groups gnomAD compares: Non-Finnish European, 0.00034%; no homozygotes.

Submission:

Labcorp Genetics (formerly Invitae), Labcorp
Classification: Uncertain significance. Last evaluated: 2021-10-25. Review status: criteria provided, single submitter. Criteria: Invitae Variant Classification Sherloc (09022015). Collection method: clinical testing. Allele origin: germline.
Comment: In summary, the available evidence is currently insufficient to determine the role of this variant in disease. Therefore, it has been classified as a Variant of Uncertain Significance. Algorithms developed to predict the effect of missense changes on protein structure and function (SIFT, PolyPhen-2, Align-GVGD) all suggest that this variant is likely to be tolerated. This variant has not been reported in the literature in individuals affected with SEMA4A-related conditions. This variant is present in population databases (rs757071020, ExAC 0.003%). This sequence change replaces threonine with alanine at codon 262 of the SEMA4A protein (p.Thr262Ala). The threonine residue is weakly conserved and there is a small physicochemical difference between threonine and alanine.

NM_022367.4(SEMA4A):c.784A>G (p.Thr262Ala)

Gene: SEMA4A (semaphorin 4A; plus strand). Cytogenetic location: 1q22.
Variant type: single nucleotide variant.
Coding change: c.784A>G on transcript NM_022367.4 (MANE Select); coding-DNA position 784, A replaced by G.
Protein change: p.Thr262Ala; replaces threonine 262 with alanine.
Molecular consequence: missense variant.
Genome position (GRCh38, 1-based): chr1:156,161,003, A>G. VCF-style: chr1-156161003-A-G. GRCh37 (hg19) VCF-style: chr1-156130794-A-G.
Other names: c.784A>G, p.Thr262Ala (NM_001193300.2, NM_001193301.2, NM_001370567.1); c.388A>G, p.Thr130Ala (NM_001193302.2); c.487A>G, p.Thr163Ala (NM_001370568.1); c.277A>G, p.Thr93Ala (NM_001370569.1, NM_001370571.1); short protein forms T163A, T262A, T93A, T130A.
Identifiers: ClinVar variation 1347112 (VCV001347112.6), dbSNP rs757071020, ClinGen allele CA1155142.